The following is an entry in ClinVar:

NM_001352754.2(ARMC9):c.688C>T (p.Arg230Trp)

Gene: ARMC9 (armadillo repeat containing 9; plus strand). Cytogenetic location: 2q37.1.
Variant type: single nucleotide variant.
Coding change: c.688C>T on transcript NM_001352754.2 (MANE Select); coding-DNA position 688, C replaced by T.
Protein change: p.Arg230Trp; replaces arginine 230 with tryptophan.
Molecular consequence: missense variant. On other transcripts: non-coding transcript variant (1).
Genome position (GRCh38, 1-based): chr2:231,235,289, C>T. VCF-style: chr2-231235289-C-T. GRCh37 (hg19) VCF-style: chr2-232100002-C-T.
Other names: c.688C>T, p.Arg230Trp (NM_001271466.4, NM_001291656.2, NM_001352755.2 and 5 more transcripts); short protein forms R230W.
Identifiers: ClinVar variation 1987586 (VCV001987586.4), dbSNP rs756161210, ClinGen allele CA2160021.
Genomic context (GRCh38, chr2:231,235,289, plus strand): 5'-TTGCAGCAGCTCCACCAGCAGCTGGTTGAAGCTGAACGTAGGTCAGTGACATACCTCAAA[C>T]GGTACAATAAGATCCAGGCCGACTACCACAATCTCATTGGAGTCACAGCAGAGCTGGTGG-3'
Protein context (NP_001339683.2, residues 220-240): AERRSVTYLK[Arg230Trp]YNKIQADYHN

ClinVar aggregate classification (germline): Uncertain significance (1 of 4 stars; one submission).

Allele frequency attached by ClinVar (database versions not stated): ExAC 0.00001; TOPMed 0.00002; gnomAD 0.00003; gnomAD exomes 0.00006.

Submission:

Labcorp Genetics (formerly Invitae), Labcorp
Classification: Uncertain significance. Last evaluated: 2026-01-14. Review status: criteria provided, single submitter. Criteria: Invitae Variant Classification Sherloc (09022015). Collection method: clinical testing. Allele origin: germline.
Comment: This sequence change replaces arginine, which is basic and polar, with tryptophan, which is neutral and slightly polar, at codon 230 of the ARMC9 protein (p.Arg230Trp). This variant is present in population databases (rs756161210, gnomAD 0.007%). This variant has not been reported in the literature in individuals affected with ARMC9-related conditions. ClinVar contains an entry for this variant (Variation ID: 1987586). Experimental studies and prediction algorithms are not available or were not evaluated, and the functional significance of this variant is currently unknown. In summary, the available evidence is currently insufficient to determine the role of this variant in disease. Therefore, it has been classified as a Variant of Uncertain Significance.